The following is an entry in ClinVar:

NM_001377458.1(CLCC1):c.1219A>G (p.Thr407Ala)

Gene: CLCC1 (chloride channel CLIC like 1; minus strand). Cytogenetic location: 1p13.3.
Variant type: single nucleotide variant.
Coding change: c.1219A>G on transcript NM_001377458.1 (MANE Select); coding-DNA position 1219, A replaced by G.
Protein change: p.Thr407Ala; replaces threonine 407 with alanine.
Molecular consequence: missense variant. On other transcripts: non-coding transcript variant (1).
Genome position (GRCh38, 1-based): chr1:108,937,241, T>C on the plus strand (A>G on the coding strand, the complement: CLCC1 is on the minus strand). VCF-style: chr1-108937241-T-C. GRCh37 (hg19) VCF-style: chr1-109479863-T-C.
Other names: c.1219A>G, p.Thr407Ala (NM_001048210.3, NM_001377459.1, NM_001377460.1 and 8 more transcripts); c.856A>G, p.Thr286Ala (NM_001278202.2); c.664A>G, p.Thr222Ala (NM_001278203.1); c.1117A>G, p.Thr373Ala (NM_001377469.1); c.928A>G, p.Thr310Ala (NM_001377470.1); c.1069A>G, p.Thr357Ala (NM_015127.5); short protein forms T286A, T357A, T373A, T222A, T310A, T407A.
Identifiers: ClinVar variation 1483009 (VCV001483009.8), dbSNP rs2101626126, ClinGen allele CA341457648.
Genomic context (GRCh38, chr1:108,937,241, plus strand): 5'-CTCTCTCTCTCAAAATCTCTCTTCTACCCTCATACGTTTTGGCATAAGGGCCTTGCTCAG[T>C]GGGGCCCATTTGGCCCCTATAATGGAAATCGGCATCACCTGCTCCACCATCAGGTCTATA-3'
Protein context (NP_001364387.1, residues 397-417): DFHYRGQMGP[Thr407Ala]EQGPYAKTYE

ClinVar aggregate classification (germline): Uncertain significance (1 of 4 stars; one submission).

Allele frequency attached by ClinVar (database versions not stated): gnomAD exomes below 0.00001.
gnomAD v4.1: 1 of 1,614,184 alleles (0.000062%); highest among the groups gnomAD compares: Non-Finnish European, 0.000085%; no homozygotes.

Submission:

Labcorp Genetics (formerly Invitae), Labcorp
Classification: Uncertain significance. Last evaluated: 2021-02-05. Review status: criteria provided, single submitter. Criteria: Invitae Variant Classification Sherloc (09022015). Collection method: clinical testing. Allele origin: germline.
Comment: This sequence change replaces threonine with alanine at codon 407 of the CLCC1 protein (p.Thr407Ala). The threonine residue is weakly conserved and there is a small physicochemical difference between threonine and alanine. This variant is not present in population databases (ExAC no frequency). This variant has not been reported in the literature in individuals with CLCC1-related conditions. Algorithms developed to predict the effect of missense changes on protein structure and function (SIFT, PolyPhen-2, Align-GVGD) all suggest that this variant is likely to be tolerated, but these predictions have not been confirmed by published functional studies and their clinical significance is uncertain. In summary, the available evidence is currently insufficient to determine the role of this variant in disease. Therefore, it has been classified as a Variant of Uncertain Significance.